The following is an entry in ClinVar:

NM_006206.6(PDGFRA):c.1122-5A>G

Gene: PDGFRA (platelet derived growth factor receptor alpha; plus strand). Cytogenetic location: 4q12.
Variant type: single nucleotide variant.
Coding change: c.1122-5A>G on transcript NM_006206.6 (MANE Select); 5 bases into the intron before coding-DNA position 1122, A replaced by G.
Molecular consequence: intron variant.
Genome position (GRCh38, 1-based): chr4:54,270,628, A>G. VCF-style: chr4-54270628-A-G. GRCh37 (hg19) VCF-style: chr4-55136795-A-G.
Other names: c.1122-5A>G (NM_006206.4, NM_001347827.2, NM_001347829.2); c.1197-5A>G (NM_001347828.2); c.1161-5A>G (NM_001347830.2).
Identifiers: ClinVar variation 1422278 (VCV001422278.9), dbSNP rs1723288050, ClinGen allele CA1458532377.

ClinVar aggregate classification (germline): Conflicting classifications of pathogenicity. Review status: criteria provided, conflicting classifications (1 of 4 stars). 2 submissions from 2 submitters: Uncertain significance (1); Likely benign (1). Last evaluated 2026-02-03.

Conditions:
Gastrointestinal stromal tumor. Also called: Gastrointestinal stroma tumor; Gastrointestinal stromal tumor, somatic. Identifiers: Orphanet 44890, MedGen C0238198, MeSH D046152, MONDO:0011719, OMIM 606764, HP:0100723.
Hereditary cancer-predisposing syndrome. Also called: Tumor predisposition; Hereditary Cancer Syndrome; Hereditary neoplastic syndrome; Neoplastic Syndromes, Hereditary. Identifiers: Orphanet 140162, MedGen C0027672, MeSH D009386, MONDO:0015356.

Allele frequency attached by ClinVar (database versions not stated): TOPMed below 0.00001.
gnomAD v4.1: 1 of 1,535,544 alleles (0.000065%); highest among the groups gnomAD compares: Non-Finnish European, 0.00009%; no homozygotes.

Submissions (2):

Ambry Genetics
Classification: Uncertain significance for Hereditary cancer-predisposing syndrome. Last evaluated: 2026-02-03. Review status: criteria provided, single submitter. Criteria: Ambry Variant Classification Scheme 2023. Collection method: clinical testing. Allele origin: germline.
Comment: The c.1122-5A>G intronic variant results from an A to G substitution 5 nucleotides upstream from coding exon 7 in the PDGFRA gene. This nucleotide position is poorly conserved in available vertebrate species. In silico splice site analysis predicts that this alteration will not have any significant effect on splicing. Based on the available evidence, the clinical significance of this variant remains unclear.

Labcorp Genetics (formerly Invitae), Labcorp
Classification: Likely benign for Gastrointestinal stromal tumor. Last evaluated: 2024-02-17. Review status: criteria provided, single submitter. Criteria: Invitae Variant Classification Sherloc (09022015). Collection method: clinical testing. Allele origin: germline.